The following is an entry in ClinVar:

ClinVar aggregate classification (germline): Pathogenic. Review status: no assertion criteria provided (0 of 4 stars). 2 submissions from 2 submitters: Pathogenic (1). 1 of the submissions does not count toward it. Last evaluated 2013-06-13.

Conditions:
Congenital heart defects, multiple types, 8, with or without heterotaxy. Identifiers: MedGen C5562042, MONDO:0859213, OMIM 619657.

Submissions (2):

OMIM
Classification: Pathogenic for CONGENITAL HEART DEFECTS, MULTIPLE TYPES, 8, WITH HETEROTAXY. Last evaluated: 2013-06-13. Review status: no assertion criteria provided. Collection method: literature only. Allele origin: germline.

Richard Lifton Laboratory, Yale University School of Medicine
No classification provided. Review status: no classification provided. Collection method: not provided. Allele origin: germline. Not counted in ClinVar's aggregate classification.
Comment: SMAD2
ClinVar note: Converted during submission from untested to not provided.

Literature cited by the submitters: PubMed 23665959 (cited by OMIM).

NM_005901.6(SMAD2):c.822G>C (p.Trp274Cys)

Gene: SMAD2 (SMAD family member 2; minus strand). Cytogenetic location: 18q21.1.
Variant type: single nucleotide variant.
Coding change: c.822G>C on transcript NM_005901.6 (MANE Select); coding-DNA position 822, G replaced by C.
Protein change: p.Trp274Cys; replaces tryptophan 274 with cysteine.
Molecular consequence: missense variant.
Genome position (GRCh38, 1-based): chr18:47,848,650, C>G on the plus strand (G>C on the coding strand, the complement: SMAD2 is on the minus strand). VCF-style: chr18-47848650-C-G. GRCh37 (hg19) VCF-style: chr18-45375021-C-G.
Other names: c.822G>C, p.Trp274Cys (NM_001003652.4); c.732G>C, p.Trp244Cys (NM_001135937.3); short protein forms W244C, W274C.
Identifiers: ClinVar variation 135628 (VCV000135628.3), dbSNP rs367537998, ClinGen allele CA249804.